The following is an entry in ClinVar:

ClinVar aggregate classification (germline): Conflicting classifications of pathogenicity. Review status: criteria provided, conflicting classifications (1 of 4 stars). 4 submissions from 4 submitters: Uncertain significance (3); Likely benign (1). Last evaluated 2024-04-15.

Conditions:
Lynch syndrome. Identifiers: Orphanet 144, MedGen C4552100, MONDO:0005835. Disease mechanism: loss of function.
Hereditary nonpolyposis colorectal neoplasms. Identifiers: MedGen C0009405, MeSH D003123.
Hereditary cancer-predisposing syndrome. Also called: Hereditary neoplastic syndrome; Tumor predisposition; Hereditary Cancer Syndrome; Neoplastic Syndromes, Hereditary. Identifiers: Orphanet 140162, MedGen C0027672, MeSH D009386, MONDO:0015356.

Allele frequency attached by ClinVar (database versions not stated): gnomAD exomes below 0.00001; TOPMed 0.00001.

Submissions (4):

Labcorp Genetics (formerly Invitae), Labcorp
Classification: Likely benign for Hereditary nonpolyposis colorectal neoplasms. Last evaluated: 2024-04-15. Review status: criteria provided, single submitter. Criteria: Invitae Variant Classification Sherloc (09022015). Collection method: clinical testing. Allele origin: germline.

All of Us Research Program, National Institutes of Health
Classification: Uncertain significance for Lynch syndrome. Last evaluated: 2024-03-24. Review status: criteria provided, single submitter. Criteria: ACMG Guidelines, 2015. Collection method: clinical testing. Allele origin: germline. Inheritance: Autosomal dominant inheritance. Observed: 1 variant allele, 1 heterozygote.
Comment: This missense variant replaces valine with leucine at codon 1056 of the MSH6 protein. Computational prediction is inconclusive regarding the impact of this variant on protein structure and function (internally defined REVEL score threshold 0.5 < inconclusive < 0.7, PMID: 27666373). To our knowledge, functional studies have not been reported for this variant. This variant has not been reported in individuals affected with MSH6-related disorders in the literature. This variant has been identified in 1/245248 chromosomes in the general population by the Genome Aggregation Database (gnomAD). The available evidence is insufficient to determine the role of this variant in disease conclusively. Therefore, this variant is classified as a Variant of Uncertain Significance.

This study involves interpretation of variants in research participants for the purpose of population health screening. Participant phenotype was not available at the time of variant classification. Additional details can be found in publication PMID: 35346344, PMCID: PMC8962531

Color Diagnostics, LLC DBA Color Health
Classification: Uncertain significance for Hereditary cancer-predisposing syndrome. Last evaluated: 2024-02-16. Review status: criteria provided, single submitter. Criteria: ACMG Guidelines, 2015. Collection method: clinical testing. Allele origin: germline.
Comment: This missense variant replaces valine with leucine at codon 1056 of the MSH6 protein. Computational prediction is inconclusive regarding the impact of this variant on protein structure and function (internally defined REVEL score threshold 0.5 < inconclusive < 0.7, PMID: 27666373). To our knowledge, functional studies have not been reported for this variant. This variant has not been reported in individuals affected with MSH6-related disorders in the literature. This variant has been identified in 1/245248 chromosomes in the general population by the Genome Aggregation Database (gnomAD). The available evidence is insufficient to determine the role of this variant in disease conclusively. Therefore, this variant is classified as a Variant of Uncertain Significance.

Sema4
Classification: Uncertain significance for Hereditary cancer-predisposing syndrome. Last evaluated: 2021-11-16. Review status: criteria provided, single submitter. Criteria: Sema4 Curation Guidelines. Collection method: curation. Allele origin: germline.
Comment: The MSH6 c.3166G>C (p.V1056L) variant has not been reported in the literature to our knowledge. It was observed in 1/112264 chromosomes of the Non-Finnish European subpopulation in the large and broad cohorts of the Genome Aggregation Database (PMID: 32461654). Functional studies have not been performed, and in silico predictions of the variant's effect on protein function are inconclusive. The evidence is insufficient to meet ACMG/AMP criteria for classifying the variant as benign or pathogenic. Thus, the clinical significance of this variant is currently uncertain.

NM_000179.3(MSH6):c.3166G>C (p.Val1056Leu)

Gene: MSH6 (mutS homolog 6; plus strand). Cytogenetic location: 2p16.3.
Variant type: single nucleotide variant.
Coding change: c.3166G>C on transcript NM_000179.3 (MANE Select); coding-DNA position 3166, G replaced by C.
Protein change: p.Val1056Leu; replaces valine 1056 with leucine.
Molecular consequence: missense variant.
Genome position (GRCh38, 1-based): chr2:47,801,149, G>C. VCF-style: chr2-47801149-G-C. GRCh37 (hg19) VCF-style: chr2-48028288-G-C.
Other names: c.2776G>C, p.Val926Leu (NM_001281492.2); c.2260G>C, p.Val754Leu (NM_001281493.2, NM_001281494.2); short protein forms V1056L, V754L, V926L.
Identifiers: ClinVar variation 491925 (VCV000491925.16), dbSNP rs952911807, ClinGen allele CA46713075.
Genomic context (GRCh38, chr2:47,801,149, plus strand): 5'-CTGTTCTATAACTTTGATAAAAATTACAAGGACTGGCAGTCTGCTGTAGAGTGTATCGCA[G>C]TGTTGGGTAAGACTTTGAACAAGCTTGTTCTCAGGCTTTGATAAGTAGTGCTGTTTGCCA-3'
Protein context (NP_000170.1, residues 1046-1066): DWQSAVECIA[Val1056Leu]LDVLLCLANY